The following is an entry in ClinVar:

ClinVar aggregate classification (germline): Uncertain significance. Review status: criteria provided, multiple submitters, no conflicts (2 of 4 stars). 2 submissions from 2 submitters: Uncertain significance (2). Last evaluated 2025-02-17.

Conditions:
LAMB2-related infantile-onset nephrotic syndrome. Also called: NEPHROTIC SYNDROME, TYPE 5, WITHOUT OCULAR ABNORMALITIES; NEPHROTIC SYNDROME, TYPE 5, WITH OCULAR ABNORMALITIES; Nephrotic Syndrome, type 5. Identifiers: Orphanet 306507, MedGen C3280113, MONDO:0013621, OMIM 614199.
Pierson syndrome. Also called: MICROCORIA-CONGENITAL NEPHROTIC SYNDROME. Identifiers: Orphanet 2670, MedGen C1836876, MONDO:0012184, OMIM 609049.

Allele frequency attached by ClinVar (database versions not stated): TOPMed below 0.00001; ExAC 0.00002; gnomAD exomes 0.00002.
gnomAD v4.1: 24 of 1,614,236 alleles (0.0015%); highest among the groups gnomAD compares: Non-Finnish European, 0.0019%; no homozygotes.

Submissions (2):

Labcorp Genetics (formerly Invitae), Labcorp
Classification: Uncertain significance for LAMB2-related infantile-onset nephrotic syndrome; Pierson syndrome. Last evaluated: 2025-02-17. Review status: criteria provided, single submitter. Criteria: Invitae Variant Classification Sherloc (09022015). Collection method: clinical testing. Allele origin: germline.
Comment: This sequence change replaces lysine, which is basic and polar, with arginine, which is basic and polar, at codon 399 of the LAMB2 protein (p.Lys399Arg). This variant is present in population databases (rs749901949, gnomAD 0.004%). This variant has not been reported in the literature in individuals affected with LAMB2-related conditions. ClinVar contains an entry for this variant (Variation ID: 1062869). An algorithm developed to predict the effect of missense changes on protein structure and function outputs the following: PolyPhen-2: "Benign". The arginine amino acid residue is found in multiple mammalian species, which suggests that this missense change does not adversely affect protein function. Algorithms developed to predict the effect of sequence changes on RNA splicing suggest that this variant may disrupt the consensus splice site. In summary, the available evidence is currently insufficient to determine the role of this variant in disease. Therefore, it has been classified as a Variant of Uncertain Significance.

Fulgent Genetics
Classification: Uncertain significance for Pierson syndrome; LAMB2-related infantile-onset nephrotic syndrome. Last evaluated: 2021-08-02. Review status: criteria provided, single submitter. Criteria: ACMG Guidelines, 2015. Collection method: clinical testing. Allele origin: unknown.

NM_002292.4(LAMB2):c.1196A>G (p.Lys399Arg)

Gene: LAMB2 (laminin subunit beta 2; minus strand). Cytogenetic location: 3p21.31.
Variant type: single nucleotide variant.
Coding change: c.1196A>G on transcript NM_002292.4 (MANE Select); coding-DNA position 1196, A replaced by G.
Protein change: p.Lys399Arg; replaces lysine 399 with arginine.
Molecular consequence: missense variant.
Genome position (GRCh38, 1-based): chr3:49,130,260, T>C on the plus strand (A>G on the coding strand, the complement: LAMB2 is on the minus strand). VCF-style: chr3-49130260-T-C. GRCh37 (hg19) VCF-style: chr3-49167693-T-C.
Other names: short protein forms K399R.
Identifiers: ClinVar variation 1062869 (VCV001062869.4), dbSNP rs749901949, ClinGen allele CA2394673.
Genomic context (GRCh38, chr3:49,130,260, plus strand): 5'-TTTCTCTCCCCGTGCCCAATCCCAGCCTCACAGCGGCACACAGCCGGATCCCGCAGGTCC[T>C]TGGTTGGGTCACGGTAGAAGAAGGGCCGACAGAGCTCACAGTGGCGCCCAGCTGTGTTAT-3'
Protein context (NP_002283.3, residues 389-409): CRPFFYRDPT[Lys399Arg]DLRDPAVCRS